The following is an entry in ClinVar:

NM_004380.3(CREBBP):c.6133C>T (p.Gln2045Ter)

Gene: CREBBP (CREB binding protein; minus strand). Cytogenetic location: 16p13.3.
Variant type: single nucleotide variant.
Coding change: c.6133C>T on transcript NM_004380.3 (MANE Select); coding-DNA position 6133, C replaced by T.
Protein change: p.Gln2045Ter; replaces glutamine 2045 with a stop codon.
Molecular consequence: nonsense.
Genome position (GRCh38, 1-based): chr16:3,728,914, G>A on the plus strand (C>T on the coding strand, the complement: CREBBP is on the minus strand). VCF-style: chr16-3728914-G-A. GRCh37 (hg19) VCF-style: chr16-3778915-G-A.
Other names: c.6019C>T, p.Gln2007Ter (NM_001079846.1); short protein forms Q2007*, Q2045*.
Identifiers: ClinVar variation 2574713 (VCV002574713.3), dbSNP rs2151305935, ClinGen allele CA394554128.

ClinVar aggregate classification (germline): Pathogenic (1 of 4 stars; one submission).

Submission:

GeneDx
Classification: Pathogenic. Last evaluated: 2023-09-28. Review status: criteria provided, single submitter. Criteria: GeneDx Variant Classification Process June 2021. Collection method: clinical testing. Allele origin: germline. Affected: yes.
Comment: Reported in a patient with Rubinstein-Taybi syndrome in published literature (Roelfsema et al., 2005); clinical information not available; Nonsense variant predicted to result in protein truncation, as the last 398 amino acids are lost, and other loss-of-function variants have been reported downstream in HGMD; Not observed at significant frequency in large population cohorts (gnomAD); This variant is associated with the following publications: (PMID: 15706485)